The following is an entry in ClinVar:

ClinVar aggregate classification (germline): Benign. Review status: criteria provided, single submitter (1 of 4 stars). 2 submissions from 2 submitters: Benign (1). 1 of the submissions does not count toward it. Last evaluated 2025-02-03.

Conditions:
SRA1-related disorder. Also called: SRA1-related condition.

Allele frequency attached by ClinVar (database versions not stated): gnomAD exomes 0.00046 and 0.00088; ExAC 0.00156; 1000 Genomes Project 0.00280; 1000 Genomes Project 30x 0.00297; gnomAD 0.00458 and 0.00488; ESP Exome Variant Server 0.00577.
gnomAD v4.1: 1,393 of 1,606,032 alleles (0.087%); highest among the groups gnomAD compares: African/African-American, 1.6%; 13 homozygotes.

Submissions (2):

Labcorp Genetics (formerly Invitae), Labcorp
Classification: Benign. Last evaluated: 2025-02-03. Review status: criteria provided, single submitter. Criteria: Invitae Variant Classification Sherloc (09022015). Collection method: clinical testing. Allele origin: germline.

PreventionGenetics, part of Exact Sciences
Classification: Likely benign for SRA1-related condition. Last evaluated: 2019-02-28. Review status: no assertion criteria provided. Collection method: clinical testing. Allele origin: germline. Not counted in ClinVar's aggregate classification.
Comment: This variant is classified as likely benign based on ACMG/AMP sequence variant interpretation guidelines (Richards et al. 2015 PMID: 25741868, with internal and published modifications).

NM_001035235.4(SRA1):c.182C>T (p.Pro61Leu)

Gene: SRA1 (steroid receptor RNA activator 1; minus strand). Cytogenetic location: 5q31.3.
Variant type: single nucleotide variant.
Coding change: c.182C>T on transcript NM_001035235.4 (MANE Select); coding-DNA position 182, C replaced by T.
Protein change: p.Pro61Leu; replaces proline 61 with leucine.
Molecular consequence: missense variant. On other transcripts: non-coding transcript variant (2), intron variant (1).
Genome position (GRCh38, 1-based): chr5:140,552,154, G>A on the plus strand (C>T on the coding strand, the complement: SRA1 is on the minus strand). VCF-style: chr5-140552154-G-A. GRCh37 (hg19) VCF-style: chr5-139931739-G-A.
Other names: c.218C>T (NM_001035235.3); c.307-985C>T (NM_001253764.2); short protein forms P61L.
Identifiers: ClinVar variation 1608102 (VCV001608102.10), dbSNP rs141327120, ClinGen allele CA3440647.